The following is an entry in ClinVar:

ClinVar aggregate classification (germline): Conflicting classifications of pathogenicity. Review status: criteria provided, conflicting classifications (1 of 4 stars). 6 submissions from 6 submitters: Uncertain significance (3); Benign (1); Likely benign (1). 1 of the submissions does not count toward it. Last evaluated 2025-11-19.

Conditions:
Hereditary nonpolyposis colorectal neoplasms. Identifiers: MedGen C0009405, MeSH D003123.
Hereditary cancer-predisposing syndrome. Also called: Tumor predisposition; Hereditary Cancer Syndrome; Hereditary neoplastic syndrome; Neoplastic Syndromes, Hereditary. Identifiers: Orphanet 140162, MedGen C0027672, MeSH D009386, MONDO:0015356.
Lynch syndrome. Identifiers: Orphanet 144, MedGen C4552100, MONDO:0005835. Disease mechanism: loss of function.
Malignant tumor of breast. Also called: Malignant breast neoplasm; Cancer breast. Identifiers: MedGen C0006142, MONDO:0007254. Disease mechanism: loss of function.

Allele frequency attached by ClinVar (database versions not stated): TOPMed below 0.00001; gnomAD 0.00001; gnomAD exomes 0.00001 and 0.00002; ExAC 0.00002.
gnomAD v4.1: 7 of 1,614,088 alleles (0.00043%); highest among the groups gnomAD compares: Admixed American, 0.0017%; no homozygotes.

Submissions (6):

Labcorp Genetics (formerly Invitae), Labcorp
Classification: Benign for Hereditary nonpolyposis colorectal neoplasms. Last evaluated: 2025-11-19. Review status: criteria provided, single submitter. Criteria: Invitae Variant Classification Sherloc (09022015). Collection method: clinical testing. Allele origin: germline.

Ambry Genetics
Classification: Likely benign for Hereditary cancer-predisposing syndrome. Last evaluated: 2025-06-23. Review status: criteria provided, single submitter. Criteria: Ambry Variant Classification Scheme 2023. Collection method: clinical testing. Allele origin: germline.

All of Us Research Program, National Institutes of Health
Classification: Uncertain significance for Lynch syndrome. Last evaluated: 2024-07-20. Review status: criteria provided, single submitter. Criteria: ACMG Guidelines, 2015. Collection method: clinical testing. Allele origin: germline. Inheritance: Autosomal dominant inheritance. Observed: 1 variant allele, 1 heterozygote.
Comment: This missense variant replaces threonine with alanine at codon 327 of the MSH6 protein. Computational prediction suggests that this variant may not impact protein structure and function (internally defined REVEL score threshold <= 0.5, PMID: 27666373). To our knowledge, functional studies have not been reported for this variant. This variant has not been reported in individuals affected with MSH6-related disorders in the literature. This variant has been identified in 5/282798 chromosomes in the general population by the Genome Aggregation Database (gnomAD). The available evidence is insufficient to determine the role of this variant in disease conclusively. Therefore, this variant is classified as a Variant of Uncertain Significance.

This study involves interpretation of variants in research participants for the purpose of population health screening. Participant phenotype was not available at the time of variant classification. Additional details can be found in publication PMID: 35346344, PMCID: PMC8962531

Color Diagnostics, LLC DBA Color Health
Classification: Uncertain significance for Hereditary cancer-predisposing syndrome. Last evaluated: 2024-07-02. Review status: criteria provided, single submitter. Criteria: ACMG Guidelines, 2015. Collection method: clinical testing. Allele origin: germline.
Comment: This missense variant replaces threonine with alanine at codon 327 of the MSH6 protein. Computational prediction suggests that this variant may not impact protein structure and function (internally defined REVEL score threshold <= 0.5, PMID: 27666373). To our knowledge, functional studies have not been reported for this variant. This variant has not been reported in individuals affected with MSH6-related disorders in the literature. This variant has been identified in 5/282798 chromosomes in the general population by the Genome Aggregation Database (gnomAD). The available evidence is insufficient to determine the role of this variant in disease conclusively. Therefore, this variant is classified as a Variant of Uncertain Significance.

GeneDx
Classification: Uncertain significance. Last evaluated: 2022-03-30. Review status: criteria provided, single submitter. Criteria: GeneDx Variant Classification Process June 2021. Collection method: clinical testing. Allele origin: germline. Affected: yes.
Comment: Not observed at significant frequency in large population cohorts (gnomAD); In silico analysis supports that this missense variant does not alter protein structure/function; Observed in an individual with melanoma (Yehia 2018); This variant is associated with the following publications: (PMID: 21437237, 29684080)

Department of Pathology and Laboratory Medicine, Sinai Health System
Classification: Uncertain significance for Malignant tumor of breast. Review status: no assertion criteria provided. Collection method: clinical testing. Allele origin: unknown. Affected: yes. Study: The Canadian Open Genetics Repository (COGR). Not counted in ClinVar's aggregate classification.
Comment: The p.Thr327Ala variant was not identified in the literature, nor was it identified in the following databases: dbSNP, HGMD, UMD, â€šÃ„ÃºMismatch Repair Genes Variant Databaseâ€šÃ„Ã¹, â€šÃ„ÃºInSiGHT Colon Cancer Databaseâ€šÃ„Ã¹, â€šÃ„ÃºMMR Gene Unclassified Variants Databaseâ€šÃ„Ã¹, COSMIC. The p.Thr327 residue is conserved in mammals but not in lower organisms. Computational analyses (PolyPhen-2, SIFT, AlignGVGD) do not suggest a high likelihood of impact of the variant amino acid to the protein; however, this information is not predictive enough to rule out pathogenicity. In summary, based on the above information, the clinical significance of this variant cannot be determined with certainty at this time. This variant is classified as a variant of unknown significance.

Literature cited by the submitters: PubMed 29684080 (cited by Ambry Genetics).

NM_000179.3(MSH6):c.979A>G (p.Thr327Ala)

Gene: MSH6 (mutS homolog 6; plus strand). Cytogenetic location: 2p16.3.
Variant type: single nucleotide variant.
Coding change: c.979A>G on transcript NM_000179.3 (MANE Select); coding-DNA position 979, A replaced by G.
Protein change: p.Thr327Ala; replaces threonine 327 with alanine.
Molecular consequence: missense variant.
Genome position (GRCh38, 1-based): chr2:47,798,962, A>G. VCF-style: chr2-47798962-A-G. GRCh37 (hg19) VCF-style: chr2-48026101-A-G.
Other names: p.T327A:ACT>GCT; c.589A>G, p.Thr197Ala (NM_001281492.2); c.73A>G, p.Thr25Ala (NM_001281493.2, NM_001281494.2); short protein forms T327A, T25A, T197A.
Identifiers: ClinVar variation 182657 (VCV000182657.23), dbSNP rs730881814, ClinGen allele CA016717.